The following is an entry in ClinVar:

ClinVar aggregate classification (germline): Conflicting classifications of pathogenicity. Review status: criteria provided, conflicting classifications (1 of 4 stars). 6 submissions from 6 submitters: Uncertain significance (1); Benign (1); Likely benign (3). 1 of the submissions does not count toward it. Last evaluated 2025-12-04.

Conditions:
MYBPC3-related disorder. Also called: MYBPC3-related disorders; MYBPC3-related condition; MYBPC3-related disease.
Cardiomyopathy (CMYO). Also called: Cardiomyopathies. Identifiers: Orphanet 167848, MedGen C0878544, MONDO:0004994, HP:0001638. Inheritance: Various modes of inheritance.
Hypertrophic cardiomyopathy. Also called: HYPERTROPHIC MYOCARDIOPATHY. Identifiers: Orphanet 217569, MedGen C0007194, MeSH D002312, MONDO:0005045, HP:0001639.

Allele frequency attached by ClinVar (database versions not stated): gnomAD exomes 0.00001; ExAC 0.00002; gnomAD 0.00005; TOPMed 0.00007; ESP Exome Variant Server 0.00008.
gnomAD v4.1: 15 of 1,608,896 alleles (0.00093%); highest among the groups gnomAD compares: African/African-American, 0.016%; no homozygotes.

Submissions (6):

Labcorp Genetics (formerly Invitae), Labcorp
Classification: Likely benign for Hypertrophic cardiomyopathy. Last evaluated: 2025-12-04. Review status: criteria provided, single submitter. Criteria: Invitae Variant Classification Sherloc (09022015). Collection method: clinical testing. Allele origin: germline.

All of Us Research Program, National Institutes of Health
Classification: Likely benign for Hypertrophic cardiomyopathy. Last evaluated: 2023-12-18. Review status: criteria provided, single submitter. Criteria: ACMG Guidelines, 2015. Collection method: clinical testing. Allele origin: germline. Inheritance: Autosomal dominant inheritance. Observed: 6 variant alleles, 6 heterozygotes.
Comment: This study involves interpretation of variants in research participants for the purpose of population health screening. Participant phenotype was not available at the time of variant classification. Additional details can be found in publication PMID: 35346344, PMCID: PMC8962531

Color Diagnostics, LLC DBA Color Health
Classification: Likely benign for Cardiomyopathy. Last evaluated: 2018-11-14. Review status: criteria provided, single submitter. Criteria: ACMG Guidelines, 2015. Collection method: clinical testing. Allele origin: germline.

GeneDx
Classification: Benign. Last evaluated: 2015-05-28. Review status: criteria provided, single submitter. Criteria: GeneDx Variant Classification (06012015). Collection method: clinical testing. Allele origin: germline. Affected: yes.
Comment: This variant is considered likely benign or benign based on one or more of the following criteria: it is a conservative change, it occurs at a poorly conserved position in the protein, it is predicted to be benign by multiple in silico algorithms, and/or has population frequency not consistent with disease.

Laboratory for Molecular Medicine, Mass General Brigham Personalized Medicine
Classification: Uncertain significance. Last evaluated: 2014-01-28. Review status: criteria provided, single submitter. Criteria: LMM Criteria. Collection method: clinical testing. Allele origin: germline. Observed: 1 variant allele.
Comment: The 1227-10C>T variant in MYBPC3 has not been reported in individuals with cardi omyopathy, but has been identified in 1/4116 African American chromosomes by the NHLBI Exome Sequencing Project (dbSNP rs3746 73836). This variant is located in the 3' splice region. Computational tools do not suggest an impact to splicing, though this information is not predictive eno ugh to rule out pathogenicity. Additional information is needed to fully assess the clinical significance of the 1227-10C>T variant.

PreventionGenetics, part of Exact Sciences
Classification: Likely benign for MYBPC3-related condition. Last evaluated: 2019-11-14. Review status: no assertion criteria provided. Collection method: clinical testing. Allele origin: germline. Not counted in ClinVar's aggregate classification.
Comment: This variant is classified as likely benign based on ACMG/AMP sequence variant interpretation guidelines (Richards et al. 2015 PMID: 25741868, with internal and published modifications).

NM_000256.3(MYBPC3):c.1227-10C>T

Gene: MYBPC3 (myosin binding protein C3; minus strand). Cytogenetic location: 11p11.2.
Variant type: single nucleotide variant.
Coding change: c.1227-10C>T on transcript NM_000256.3 (MANE Select); 10 bases into the intron before coding-DNA position 1227, C replaced by T.
Molecular consequence: intron variant.
Genome position (GRCh38, 1-based): chr11:47,343,155, G>A on the plus strand (C>T on the coding strand, the complement: MYBPC3 is on the minus strand). VCF-style: chr11-47343155-G-A. GRCh37 (hg19) VCF-style: chr11-47364706-G-A.
Identifiers: ClinVar variation 178934 (VCV000178934.20), dbSNP rs374673836, ClinGen allele CA009945.